The following is an entry in ClinVar:

NM_001723.7(DST):c.5556_5557del (p.Gln1852fs)

Gene: DST (dystonin; minus strand). Cytogenetic location: 6p12.1.
Variant type: Deletion.
Coding change: c.5556_5557del on transcript NM_001723.7 (MANE Plus Clinical); coding-DNA positions 5556 to 5557, 2 bases deleted (GA; older notation c.5556_5557delGA).
Protein change: p.Gln1852fs; shifts the reading frame from glutamine 1852.
Molecular consequence: frameshift variant. On other transcripts: intron variant (10).
Genome position (GRCh38, 1-based): chr6:56,618,477-56,618,478, TC deleted on the plus strand (GA on the coding strand, the reverse complement: DST is on the minus strand); deleting any 2 consecutive bases within chr6:56,618,477-56,618,479 gives the same sequence; the c. name uses the placement nearest the transcript's 3' end. VCF-style (leftmost placement, unchanged base first): chr6-56618476-ATC-A. GRCh37 (hg19) VCF-style: chr6-56483274-ATC-A.
Other names: c.4831-3994_4831-3993del (NM_001144769.5); c.4930-3994_4930-3993del (NM_001374722.1, NM_001374736.1); c.4957-3994_4957-3993del (NM_001374734.1); c.4417-3994_4417-3993del (NM_001144770.2); c.4297-3994_4297-3993del (NM_001374730.1, NM_001386100.1, NM_183380.4 and 1 more transcripts); c.3319-3994_3319-3993del (NM_015548.5); c.5556_5557delGA (NM_001723.7); short protein forms Q1852fs.
Identifiers: ClinVar variation 3895813 (VCV003895813.1).
Genomic context (GRCh38, chr6:56,618,476, plus strand): 5'-GCTGTGCTCTTTTTTTGAATTTCACACTGGAGCAAAACTAATTGATGTTCATGCTCTTTG[ATC>A]TGTTGGTCCATTTTTTGCTTCAGGTTTTCAACCTCACGCTTCTGGGCTATCAGCTCATCC-3'

ClinVar aggregate classification (germline): Pathogenic (1 of 4 stars; one submission).

Conditions:
Epidermolysis bullosa simplex 3, localized or generalized intermediate, with BP230 deficiency (EBS3). Also called: Epidermolysis bullosa simplex, autosomal recessive 2; Epidermolysis bullosa simplex due to BP230 deficiency. Identifiers: Orphanet 412181, MedGen C3809470, MONDO:0014180, OMIM 615425.

Submission:

Women's Health and Genetics/Laboratory Corporation of America, LabCorp
Classification: Pathogenic for Epidermolysis bullosa simplex 3, localized or generalized intermediate, with BP230 deficiency. Last evaluated: 2025-03-06. Review status: criteria provided, single submitter. Criteria: LabCorp Variant Classification Summary - May 2015. Collection method: clinical testing. Allele origin: germline.
Comment: Variant summary: DST c.5556_5557delGA (p.Gln1852HisfsX5) results in a premature termination codon, predicted to cause absence of the protein due to nonsense mediated decay, which is a commonly known mechanism for disease. The variant was absent in 250972 control chromosomes. To our knowledge, no occurrence of c.5556_5557delGA in individuals affected with Epidermolysis bullosa simplex 3, localized or generalized intermediate, with BP230 deficiency and no experimental evidence demonstrating its impact on protein function have been reported. No submitters have cited clinical-significance assessments for this variant to ClinVar. Based on the evidence outlined above, the variant was classified as pathogenic.